The following is an entry in ClinVar:

ClinVar aggregate classification (germline): Uncertain significance (1 of 4 stars; one submission).

Allele frequency attached by ClinVar (database versions not stated): ExAC 0.00001; ESP Exome Variant Server 0.00008.

Submission:

Labcorp Genetics (formerly Invitae), Labcorp
Classification: Uncertain significance. Last evaluated: 2022-01-02. Review status: criteria provided, single submitter. Criteria: Invitae Variant Classification Sherloc (09022015). Collection method: clinical testing. Allele origin: germline.
Comment: In summary, the available evidence is currently insufficient to determine the role of this variant in disease. Therefore, it has been classified as a Variant of Uncertain Significance. Variants that disrupt the consensus splice site are a relatively common cause of aberrant splicing (PMID: 17576681, 9536098). This variant has not been reported in the literature in individuals affected with CDH23-related conditions. This variant is present in population databases (rs373160595, gnomAD 0.0009%). This sequence change falls in intron 4 of the CDH23 gene. It does not directly change the encoded amino acid sequence of the CDH23 protein. It affects a nucleotide within the consensus splice site.

Literature cited by the submitters: PubMed 17576681; PubMed 9536098.

NM_022124.6(CDH23):c.288+6A>T

Genes: CDH23 (cadherin related 23; plus strand), CDH23-AS1 (CDH23 antisense RNA 1; minus strand). Cytogenetic location: 10q22.1.
Variant type: single nucleotide variant.
Coding change: c.288+6A>T on transcript NM_022124.6 (MANE Select); 6 bases into the intron after coding-DNA position 288, A replaced by T.
Molecular consequence: intron variant.
Genome position (GRCh38, 1-based): chr10:71,510,230, A>T. VCF-style: chr10-71510230-A-T. GRCh37 (hg19) VCF-style: chr10-73269987-A-T.
Other names: c.288+6A>T (NM_001171930.2, NM_001171931.2, NM_052836.4 and 1 more transcripts).
Identifiers: ClinVar variation 2069687 (VCV002069687.4), dbSNP rs373160595, ClinGen allele CA5543344.
Genomic context (GRCh38, chr10:71,510,230, plus strand): 5'-TGCAGTGGAGCCTGACACTGGCGTGGTGTGGCTCCGGCAGCCACTGGACAGAGAGGTATG[A>T]CTTGCCCATACCCCTGCCCCAATTCTCTCCTGGGGACAGGAGGAGACACTGGGGGAAGGA-3'